The following is an entry in ClinVar:

ClinVar aggregate classification (germline): Uncertain significance (1 of 4 stars; one submission).

Conditions:
Bardet-Biedl syndrome (BBS). Identifiers: Orphanet 110, MedGen C0752166, MONDO:0015229.

Submission:

Labcorp Genetics (formerly Invitae), Labcorp
Classification: Uncertain significance for Bardet-Biedl syndrome. Last evaluated: 2018-01-20. Review status: criteria provided, single submitter. Criteria: Invitae Variant Classification Sherloc (09022015). Collection method: clinical testing. Allele origin: germline.
Comment: This sequence change replaces leucine with phenylalanine at codon 679 of the BBS12 protein (p.Leu679Phe). The leucine residue is highly conserved and there is a small physicochemical difference between leucine and phenylalanine. In summary, the available evidence is currently insufficient to determine the role of this variant in disease. Therefore, it has been classified as a Variant of Uncertain Significance. Algorithms developed to predict the effect of missense changes on protein structure and function do not agree on the potential impact of this missense change (SIFT: "Deleterious"; PolyPhen-2: "Probably Damaging"; Align-GVGD: "Class C0"). This variant has not been reported in the literature in individuals with BBS12-related disease. This variant is not present in population databases (ExAC no frequency).

NM_152618.3(BBS12):c.2037A>T (p.Leu679Phe)

Gene: BBS12 (Bardet-Biedl syndrome 12; plus strand). Cytogenetic location: 4q27.
Variant type: single nucleotide variant.
Coding change: c.2037A>T on transcript NM_152618.3 (MANE Select); coding-DNA position 2037, A replaced by T.
Protein change: p.Leu679Phe; replaces leucine 679 with phenylalanine.
Molecular consequence: missense variant.
Genome position (GRCh38, 1-based): chr4:122,743,929, A>T. VCF-style: chr4-122743929-A-T. GRCh37 (hg19) VCF-style: chr4-123665084-A-T.
Other names: c.2037A>T, p.Leu679Phe (NM_001178007.2); short protein forms L679F.
Identifiers: ClinVar variation 531834 (VCV000531834.4), dbSNP rs1553941612, ClinGen allele CA358226423.
Genomic context (GRCh38, chr4:122,743,929, plus strand): 5'-TCCGAGAGTTTATGACGTTGTTACACCAAAGATTGAGGCGTGGCGCCGAGCATTGGATTT[A>T]GTATTGTTAGTACTTCAGACAGACAGTGAAATAATTACTGGACATGGACACACACAGATA-3'
Protein context (NP_689831.2, residues 669-689): KIEAWRRALD[Leu679Phe]VLLVLQTDSE